The following is an entry in ClinVar:

ClinVar aggregate classification (germline): Uncertain significance (1 of 4 stars; one submission).

Submission:

Labcorp Genetics (formerly Invitae), Labcorp
Classification: Uncertain significance. Last evaluated: 2025-07-18. Review status: criteria provided, single submitter. Criteria: Invitae Variant Classification Sherloc (09022015). Collection method: clinical testing. Allele origin: germline.
Comment: This sequence change replaces alanine, which is neutral and non-polar, with valine, which is neutral and non-polar, at codon 396 of the SIAE protein (p.Ala396Val). This variant is not present in population databases (gnomAD no frequency). This variant has not been reported in the literature in individuals affected with SIAE-related conditions. ClinVar contains an entry for this variant (Variation ID: 3658033). An algorithm developed to predict the effect of missense changes on protein structure and function outputs the following: PolyPhen-2: "Benign". The valine amino acid residue is found in multiple mammalian species, which suggests that this missense change does not adversely affect protein function. In summary, the available evidence is currently insufficient to determine the role of this variant in disease. Therefore, it has been classified as a Variant of Uncertain Significance.

NM_170601.5(SIAE):c.1187C>T (p.Ala396Val)

Gene: SIAE (sialic acid acetylesterase; minus strand). Cytogenetic location: 11q24.2.
Variant type: single nucleotide variant.
Coding change: c.1187C>T on transcript NM_170601.5 (MANE Select); coding-DNA position 1187, C replaced by T.
Protein change: p.Ala396Val; replaces alanine 396 with valine.
Molecular consequence: missense variant.
Genome position (GRCh38, 1-based): chr11:124,638,675, G>A on the plus strand (C>T on the coding strand, the complement: SIAE is on the minus strand). VCF-style: chr11-124638675-G-A. GRCh37 (hg19) VCF-style: chr11-124508571-G-A.
Other names: c.1082C>T, p.Ala361Val (NM_001199922.2); short protein forms A361V, A396V.
Identifiers: ClinVar variation 3658033 (VCV003658033.2).